The following is an entry in ClinVar:

ClinVar aggregate classification (germline): Pathogenic (1 of 4 stars; one submission).

Conditions:
von Willebrand disorder (VWD). Also called: von Willebrand Diseases; Von Willebrand disease (hereditary or acquired); von Willebrand's disease. Identifiers: MedGen C0042974, MeSH D014842, MONDO:0024574.

Submission:

Women's Health and Genetics/Laboratory Corporation of America, LabCorp
Classification: Pathogenic for von Willebrand disorder. Last evaluated: 2026-06-09. Review status: criteria provided, single submitter. Criteria: LabCorp Variant Classification Summary - May 2015. Collection method: clinical testing. Allele origin: germline.
Comment: Variant summary: The variant involves the deletion of exon 13 in the VWF gene. A presumed nomenclature of c.(1432+1_1433-1)_(1533+1_1534-1)del has been designated for the purposes of this classification. This Copy Number Variant (CNV) is expected to alter the reading frame and predicted to result in a truncation or absence of the encoded protein due to nonsense mediated decay (NMD). Loss-of-function variants in this gene are known to be pathogenic. The variant was absent in 21694 control chromosomes in the gnomAD database (Structural Variants v2.1 dataset). To our knowledge, no occurrence of c.(1432+1_1433-1)_(1533+1_1534-1)del in individuals affected with VWF-related conditions and no experimental evidence demonstrating its impact on protein function have been reported. No submitters have cited clinical-significance assessments for this variant to ClinVar. Based on the evidence outlined above, the variant was classified as pathogenic.

NC_000012.11:g.(6167211_6172119)_(6172221_6173411)del

Gene: VWF (von Willebrand factor; minus strand). Cytogenetic location: 12p13.31.
Variant type: Deletion.
Identifiers: ClinVar variation 4887414 (VCV004887414.1).